The following is an entry in ClinVar:

NM_000138.5(FBN1):c.5291C>A (p.Pro1764His)

Gene: FBN1 (fibrillin 1; minus strand). Cytogenetic location: 15q21.1.
Variant type: single nucleotide variant.
Coding change: c.5291C>A on transcript NM_000138.5 (MANE Select); coding-DNA position 5291, C replaced by A.
Protein change: p.Pro1764His; replaces proline 1764 with histidine.
Molecular consequence: missense variant.
Genome position (GRCh38, 1-based): chr15:48,460,251, G>T on the plus strand (C>A on the coding strand, the complement: FBN1 is on the minus strand). VCF-style: chr15-48460251-G-T. GRCh37 (hg19) VCF-style: chr15-48752448-G-T.
Other names: short protein forms P1764H.
Identifiers: ClinVar variation 950235 (VCV000950235.9), dbSNP rs2043270903, ClinGen allele CA392347960.
Genomic context (GRCh38, chr15:48,460,251, plus strand): 5'-ATGCTAACACAAAGGCAAAAAACCAGAAAGTTCTGACAATGCCGTCATGACTCACCAACG[G>T]GTAAACCGGTATAAATGTCGATGACAAAGCCTGGCCTTTGACTTCCACAGAGTGTAGCAA-3'
Protein context (NP_000129.3, residues 1754-1774): GFVIDIYTGL[Pro1764His]VDIDECREIP

ClinVar aggregate classification (germline): Uncertain significance (1 of 4 stars; one submission).

Conditions:
Familial thoracic aortic aneurysm and aortic dissection (TAAD). Also called: Thoracic aortic aneurysms and dissections. Identifiers: Orphanet 91387, MedGen C4707243, MONDO:0019625.
Marfan syndrome (MFS). Also called: Marfan syndrome, classic; Marfan syndrome type 1; Marfan's syndrome; FBN1-Related Marfan Syndrome; MARFAN SYNDROME, TYPE I. Identifiers: Orphanet 284963, Orphanet 558, MedGen C0024796, MONDO:0007947, OMIM 154700.

Allele frequency attached by ClinVar (database versions not stated): gnomAD exomes below 0.00001.
gnomAD v4.1: 2 of 1,612,924 alleles (0.00012%); highest among the groups gnomAD compares: Non-Finnish European, 0.00017%; no homozygotes.

Submission:

Labcorp Genetics (formerly Invitae), Labcorp
Classification: Uncertain significance for Marfan syndrome; Familial thoracic aortic aneurysm and aortic dissection. Last evaluated: 2022-11-01. Review status: criteria provided, single submitter. Criteria: Invitae Variant Classification Sherloc (09022015). Collection method: clinical testing. Allele origin: germline.
Comment: In summary, the available evidence is currently insufficient to determine the role of this variant in disease. Therefore, it has been classified as a Variant of Uncertain Significance. Advanced modeling of protein sequence and biophysical properties (such as structural, functional, and spatial information, amino acid conservation, physicochemical variation, residue mobility, and thermodynamic stability) has been performed at Invitae for this missense variant, however the output from this modeling did not meet the statistical confidence thresholds required to predict the impact of this variant on FBN1 protein function. ClinVar contains an entry for this variant (Variation ID: 950235). This variant has not been reported in the literature in individuals affected with FBN1-related conditions. This variant is not present in population databases (gnomAD no frequency). This sequence change replaces proline, which is neutral and non-polar, with histidine, which is basic and polar, at codon 1764 of the FBN1 protein (p.Pro1764His).